The following is an entry in ClinVar:

NM_001109809.5(ZFP57):c.637C>T (p.Arg213Trp)

Gene: ZFP57 (ZFP57 zinc finger protein; minus strand). Cytogenetic location: 6p22.1.
Variant type: single nucleotide variant.
Coding change: c.637C>T on transcript NM_001109809.5 (MANE Select); coding-DNA position 637, C replaced by T.
Protein change: p.Arg213Trp; replaces arginine 213 with tryptophan.
Molecular consequence: missense variant.
Genome position (GRCh38, 1-based): chr6:29,673,474, G>A on the plus strand (C>T on the coding strand, the complement: ZFP57 is on the minus strand). VCF-style: chr6-29673474-G-A. GRCh37 (hg19) VCF-style: chr6-29641251-G-A.
Other names: c.421C>T, p.Arg141Trp (NM_001366333.2); short protein forms R141W, R213W.
Identifiers: ClinVar variation 2894649 (VCV002894649.3), dbSNP rs755918943, ClinGen allele CA3690782.

ClinVar aggregate classification (germline): Uncertain significance (1 of 4 stars; one submission).

Allele frequency attached by ClinVar (database versions not stated): ExAC 0.00001; gnomAD 0.00001; gnomAD exomes 0.00001; TOPMed 0.00001.
gnomAD v4.1: 11 of 1,612,944 alleles (0.00068%); highest among the groups gnomAD compares: African/African-American, 0.0027%; no homozygotes.

Submission:

Labcorp Genetics (formerly Invitae), Labcorp
Classification: Uncertain significance. Last evaluated: 2023-09-27. Review status: criteria provided, single submitter. Criteria: Invitae Variant Classification Sherloc (09022015). Collection method: clinical testing. Allele origin: germline.
Comment: In summary, the available evidence is currently insufficient to determine the role of this variant in disease. Therefore, it has been classified as a Variant of Uncertain Significance. An algorithm developed to predict the effect of missense changes on protein structure and function (PolyPhen-2) suggests that this variant is likely to be tolerated. This variant has not been reported in the literature in individuals affected with ZFP57-related conditions. This variant is present in population databases (rs755918943, gnomAD 0.009%). This sequence change replaces arginine, which is basic and polar, with tryptophan, which is neutral and slightly polar, at codon 213 of the ZFP57 protein (p.Arg213Trp).